The following is an entry in ClinVar:

NM_000080.4(CHRNE):c.1012A>G (p.Met338Val)

Gene: CHRNE (cholinergic receptor nicotinic epsilon subunit; minus strand). Cytogenetic location: 17p13.2.
Variant type: single nucleotide variant.
Coding change: c.1012A>G on transcript NM_000080.4 (MANE Select); coding-DNA position 1012, A replaced by G.
Protein change: p.Met338Val; replaces methionine 338 with valine.
Molecular consequence: missense variant.
Genome position (GRCh38, 1-based): chr17:4,899,488, T>C on the plus strand (A>G on the coding strand, the complement: CHRNE is on the minus strand). VCF-style: chr17-4899488-T-C. GRCh37 (hg19) VCF-style: chr17-4802783-T-C.
Other names: short protein forms M338V.
Identifiers: ClinVar variation 1480037 (VCV001480037.6), dbSNP rs200035803, ClinGen allele CA397300829.

ClinVar aggregate classification (germline): Uncertain significance (1 of 4 stars; one submission).

Conditions:
Congenital myasthenic syndrome 4A. Also called: MYASTHENIC SYNDROME, CONGENITAL, 4A, SLOW-CHANNEL, AUTOSOMAL RECESSIVE; Myasthenic syndrome, congenital, 4a, slow-channel; CONGENITAL MYASTHENIC SYNDROME TYPE Ia1. Identifiers: Orphanet 590, MedGen C4225413, MONDO:0011600, OMIM 605809.

Submission:

Labcorp Genetics (formerly Invitae), Labcorp
Classification: Uncertain significance for Congenital myasthenic syndrome 4A. Last evaluated: 2026-01-27. Review status: criteria provided, single submitter. Criteria: Invitae Variant Classification Sherloc (09022015). Collection method: clinical testing. Allele origin: germline.
Comment: This sequence change replaces methionine, which is neutral and non-polar, with valine, which is neutral and non-polar, at codon 338 of the CHRNE protein (p.Met338Val). This variant is not present in population databases (gnomAD no frequency). This variant has not been reported in the literature in individuals affected with CHRNE-related conditions. ClinVar contains an entry for this variant (Variation ID: 1480037). An algorithm developed to predict the effect of missense changes on protein structure and function outputs the following: PolyPhen-2: "Benign". The valine amino acid residue is found in multiple mammalian species, which suggests that this missense change does not adversely affect protein function. In summary, the available evidence is currently insufficient to determine the role of this variant in disease. Therefore, it has been classified as a Variant of Uncertain Significance.